The following is an entry in ClinVar:

ClinVar aggregate classification (germline): Uncertain significance (1 of 4 stars; one submission).

Allele frequency attached by ClinVar (database versions not stated): gnomAD 0.00001; TOPMed 0.00002; gnomAD exomes 0.00003.
gnomAD v4.1: 37 of 1,493,166 alleles (0.0025%); highest among the groups gnomAD compares: East Asian, 0.022%; no homozygotes.

Submission:

Labcorp Genetics (formerly Invitae), Labcorp
Classification: Uncertain significance. Last evaluated: 2024-11-18. Review status: criteria provided, single submitter. Criteria: Invitae Variant Classification Sherloc (09022015). Collection method: clinical testing. Allele origin: germline.
Comment: This sequence change replaces valine, which is neutral and non-polar, with methionine, which is neutral and non-polar, at codon 1034 of the NLRP1 protein (p.Val1034Met). This variant is present in population databases (rs199590252, gnomAD 0.01%). This variant has not been reported in the literature in individuals affected with NLRP1-related conditions. ClinVar contains an entry for this variant (Variation ID: 1491994). An algorithm developed to predict the effect of missense changes on protein structure and function (PolyPhen-2) suggests that this variant is likely to be tolerated. In summary, the available evidence is currently insufficient to determine the role of this variant in disease. Therefore, it has been classified as a Variant of Uncertain Significance.

NM_033004.4(NLRP1):c.3100G>A (p.Val1034Met)

Gene: NLRP1 (NLR family pyrin domain containing 1; minus strand). Cytogenetic location: 17p13.2.
Variant type: single nucleotide variant.
Coding change: c.3100G>A on transcript NM_033004.4 (MANE Select); coding-DNA position 3100, G replaced by A.
Protein change: p.Val1034Met; replaces valine 1034 with methionine.
Molecular consequence: missense variant.
Genome position (GRCh38, 1-based): chr17:5,533,337, C>T on the plus strand (G>A on the coding strand, the complement: NLRP1 is on the minus strand). VCF-style: chr17-5533337-C-T. GRCh37 (hg19) VCF-style: chr17-5436657-C-T.
Other names: c.3100G>A, p.Val1034Met (NM_001033053.3, NM_014922.5); c.3010G>A, p.Val1004Met (NM_033006.4, NM_033007.4); short protein forms V1034M, V1004M.
Identifiers: ClinVar variation 1491994 (VCV001491994.6), dbSNP rs199590252, ClinGen allele CA287286856.
Genomic context (GRCh38, chr17:5,533,337, plus strand): 5'-AAAGGGGCCAGGCACCGTGGCTCTTGCCTGCAATCTCAGCAATTGGGAAGATCTTGCTCA[C>T]GTCCAGGAGTTTGAGATTAGCCTGAGCAACATGGGAAGCCGCCCTCTCTACAGAAAAAAG-3'
Protein context (NP_127497.1, residues 1024-1044): VAQANLKLLD[Val1034Met]SKIFPIAEIA